The following is an entry in ClinVar:

ClinVar aggregate classification (germline): Likely pathogenic (1 of 4 stars; one submission).

Conditions:
Peroxisome biogenesis disorder. Identifiers: Orphanet 79189, MedGen C1832200, MONDO:0019234. Disease mechanism: loss of function.

Submission:

Myriad Genetics, Inc.
Classification: Likely pathogenic for Peroxisome biogenesis disorder. Last evaluated: 2022-03-08. Review status: criteria provided, single submitter. Criteria: Myriad Autosomal Dominant, Autosomal Recessive and X-Linked Classification Criteria (2023). Collection method: clinical testing. Allele origin: unknown.
Comment: NM_000466.2(PEX1):c.3003delA(K1001Nfs*17) is expected to be pathogenic in the context of peroxisome biogenesis disorder type 1. This variant is predicted to lead to an abnormal or absent protein product due to the creation of a premature termination codon in PEX1, a gene where loss-of-function variants are known to be pathogenic. Please note: this variant was assessed in the context of healthy population screening.

NM_000466.3(PEX1):c.3003del (p.Lys1001fs)

Genes: GATAD1 (GATA zinc finger domain containing 1; plus strand), PEX1 (peroxisomal biogenesis factor 1; minus strand). Cytogenetic location: 7q21.2.
Variant type: Deletion.
Coding change: c.3003del on transcript NM_000466.3 (MANE Select); coding-DNA position 3003, one base deleted (A; older notation c.3003delA).
Protein change: p.Lys1001fs; shifts the reading frame from lysine 1001.
Molecular consequence: frameshift variant.
Genome position (GRCh38, 1-based): chr7:92,494,320, T deleted on the plus strand (A on the coding strand, the reverse complement: PEX1 is on the minus strand); the first of 3 consecutive T bases (chr7:92,494,320-92,494,322); deleting any one gives the same sequence. VCF-style (leftmost placement, unchanged base first): chr7-92494319-AT-A. GRCh37 (hg19) VCF-style: chr7-92123633-AT-A.
Other names: c.2832del, p.Lys944fs (NM_001282677.2); c.2379del, p.Lys793fs (NM_001282678.2); short protein forms K1001fs, K793fs, K944fs.
Identifiers: ClinVar variation 1725101 (VCV001725101.3), dbSNP rs1562847911, ClinGen allele CA2580077512.
Genomic context (GRCh38, chr7:92,494,319, plus strand): 5'-GTTGGGTTTTGGACTCTAAATATGAAATTGTCACCTGATCAGGAGGAGGACAGTATACAC[AT>A]TTATCTAGTCGACCAGGCCTAAGCAGGGCAGGGTCAATCAAGTCAGGGCGACTAGTAGCA-3'